The following is an entry in ClinVar:

NM_005591.4(MRE11):c.1496A>G (p.Glu499Gly)

Gene: MRE11 (MRE11 double strand break repair nuclease; minus strand). Cytogenetic location: 11q21.
Variant type: single nucleotide variant.
Coding change: c.1496A>G on transcript NM_005591.4 (MANE Select); coding-DNA position 1496, A replaced by G.
Protein change: p.Glu499Gly; replaces glutamic acid 499 with glycine.
Molecular consequence: missense variant.
Genome position (GRCh38, 1-based): chr11:94,459,412, T>C on the plus strand (A>G on the coding strand, the complement: MRE11 is on the minus strand). VCF-style: chr11-94459412-T-C. GRCh37 (hg19) VCF-style: chr11-94192578-T-C.
Other names: c.1496A>G, p.Glu499Gly (NM_001330347.2, NM_005590.4); short protein forms E499G.
Identifiers: ClinVar variation 229851 (VCV000229851.13), dbSNP rs774145193, ClinGen allele CA6235070.
Genomic context (GRCh38, chr11:94,459,412, plus strand): 5'-CTACTCTTAAAGACAGACTATTTAAATAGACCTAGACACTCAAATTAGTTACTTACCTCC[T>C]CATCGATTTTGTCTTCGAGGGCATCAATATGACGTTCTTTAAGAAATCGCTGTGTTTTTT-3'
Protein context (NP_005582.1, residues 489-509): HIDALEDKID[Glu499Gly]EVRRFRETRQ

ClinVar aggregate classification (germline): Uncertain significance. Review status: criteria provided, multiple submitters, no conflicts (2 of 4 stars). 3 submissions from 3 submitters: Uncertain significance (3). Last evaluated 2023-11-03.

Conditions:
Ataxia-telangiectasia-like disorder (ATLD). Identifiers: MedGen C1858391, MONDO:0011457.
Hereditary cancer-predisposing syndrome. Also called: Hereditary neoplastic syndrome; Hereditary Cancer Syndrome; Neoplastic Syndromes, Hereditary; Tumor predisposition. Identifiers: Orphanet 140162, MedGen C0027672, MeSH D009386, MONDO:0015356.
Ataxia-telangiectasia-like disorder 1 (ATLD1). Identifiers: Orphanet 251347, MedGen C4012790, MONDO:0024557, OMIM 604391.

Allele frequency attached by ClinVar (database versions not stated): TOPMed 0.00002; ExAC 0.00004.
gnomAD v4.1: 40 of 1,613,914 alleles (0.0025%); highest among the groups gnomAD compares: Middle Eastern, 0.033%; no homozygotes.

Submissions (3):

Labcorp Genetics (formerly Invitae), Labcorp
Classification: Uncertain significance for Ataxia-telangiectasia-like disorder. Last evaluated: 2023-11-03. Review status: criteria provided, single submitter. Criteria: Invitae Variant Classification Sherloc (09022015). Collection method: clinical testing. Allele origin: germline.
Comment: This sequence change replaces glutamic acid, which is acidic and polar, with glycine, which is neutral and non-polar, at codon 499 of the MRE11 protein (p.Glu499Gly). This variant is present in population databases (rs774145193, gnomAD 0.03%). This missense change has been observed in individual(s) with breast and/or ovarian cancer (PMID: 26534844). ClinVar contains an entry for this variant (Variation ID: 229851). An algorithm developed to predict the effect of missense changes on protein structure and function (PolyPhen-2) suggests that this variant¬†is likely to be tolerated. In summary, the available evidence is currently insufficient to determine the role of this variant in disease. Therefore, it has been classified as a Variant of Uncertain Significance.

Ambry Genetics
Classification: Uncertain significance for Hereditary cancer-predisposing syndrome. Last evaluated: 2023-10-11. Review status: criteria provided, single submitter. Criteria: Ambry Variant Classification Scheme 2023. Collection method: clinical testing. Allele origin: germline.
Comment: The p.E499G variant (also known as c.1496A>G), located in coding exon 12 of the MRE11A gene, results from an A to G substitution at nucleotide position 1496. The glutamic acid at codon 499 is replaced by glycine, an amino acid with similar properties. This alteration was reported in individual from a cohort of 684 HBOC families undergoing multi-gene testing (Li J et al. J. Med. Genet. 2016 Jan;53:34-42). This amino acid position is well conserved in available vertebrate species. In addition, the in silico prediction for this alteration is inconclusive. Since supporting evidence is limited at this time, the clinical significance of this alteration remains unclear.

Baylor Genetics
Classification: Uncertain significance for Ataxia-telangiectasia-like disorder 1. Last evaluated: 2023-03-15. Review status: criteria provided, single submitter. Criteria: ACMG Guidelines, 2015. Collection method: clinical testing. Allele origin: unknown.

Literature cited by the submitters: PubMed 26534844 (cited by Labcorp Genetics (formerly Invitae), Labcorp and Ambry Genetics).